The following is an entry in ClinVar:

ClinVar aggregate classification (germline): Uncertain significance (1 of 4 stars; one submission).

Conditions:
Developmental and epileptic encephalopathy, 23 (DEE23). Also called: Epileptic encephalopathy, early infantile, 23. Identifiers: Orphanet 411986, MedGen C4014492, MONDO:0014371, OMIM 615859.

Submission:

Labcorp Genetics (formerly Invitae), Labcorp
Classification: Uncertain significance for Developmental and epileptic encephalopathy, 23. Last evaluated: 2018-11-14. Review status: criteria provided, single submitter. Criteria: Invitae Variant Classification Sherloc (09022015). Collection method: clinical testing. Allele origin: germline.
Comment: In summary, the available evidence is currently insufficient to determine the role of this variant in disease. Therefore, it has been classified as a Variant of Uncertain Significance. Experimental studies and prediction algorithms are not available for this variant, and the functional significance of the deleted amino acids is currently unknown. This variant has not been reported in the literature in individuals with DOCK7-related disease. This variant is an in-frame deletion of the genomic region encompassing exons 32 to 36 of the DOCK7 gene. It preserves the integrity of the reading frame.

NC_000001.11:g.(?_62505662)_(62513918_?)del

Gene: DOCK7 (dedicator of cytokinesis 7; minus strand). Cytogenetic location: 1p31.3.
Variant type: Deletion.
Identifiers: ClinVar variation 663954 (VCV000663954.5).